The following is an entry in ClinVar:

NM_000094.4(COL7A1):c.8524_8527+10del

Gene: COL7A1 (collagen type VII alpha 1 chain; minus strand). Cytogenetic location: 3p21.31.
Variant type: Deletion.
Coding change: c.8524_8527+10del on transcript NM_000094.4 (MANE Select); coding-DNA position 8524 through 10 bases into the intron after coding-DNA position 8527, 14 bases deleted (GAAGGTGAGGACAG).
Molecular consequence: splice donor variant.
Genome position (GRCh38, 1-based): chr3:48,565,400-48,565,413, CTGTCCTCACCTTC deleted on the plus strand (GAAGGTGAGGACAG on the coding strand, the reverse complement: COL7A1 is on the minus strand); deleting any 14 consecutive bases within chr3:48,565,400-48,565,415 gives the same sequence; the c. name uses the placement nearest the transcript's 3' end. VCF-style (leftmost placement, unchanged base first): chr3-48565399-GCTGTCCTCACCTTC-G. GRCh37 (hg19) VCF-style: chr3-48602832-GCTGTCCTCACCTTC-G.
Other names: NC_000003.11:g.48602835_48602848del; c.8522_8527+8del (NM_000094.4); c.8524_8527+10del14 (NM_000094.3).
Identifiers: ClinVar variation 728221 (VCV000728221.19), dbSNP rs566181351, ClinGen allele CA2377968.
Genomic context (GRCh38, chr3:48,565,399, plus strand): 5'-TGCATTCATGGACACCCATGTGCGTGTCTCGGCCCCACCCATAGCTGCCCCACGGGTTCA[GCTGTCCTCACCTTC>G]CTCCTCTGCATGAGAGACGCGGAGCACAGGCACAGCATGGAGCTGGGAGCCGGCAGTGTC-3'

ClinVar aggregate classification (germline): Benign/Likely benign. Review status: criteria provided, multiple submitters, no conflicts (2 of 4 stars). 6 submissions from 5 submitters: Benign (1); Likely benign (2). 3 of the submissions do not count toward it. Last evaluated 2026-01-25.

Conditions:
COL7A1-related disorder. Also called: COL7A1-related condition; COL7A1- related disorders.
Recessive dystrophic epidermolysis bullosa (RDEB). Also called: Epidermolysis Bullosa Distrophica Autosomal Recessive (RDEB); epidermolysis bullosa dystrophica, autosomal recessive; Hallopeau-Siemens Disease; severe generalized recessive dystrophic epidermolysis bullosa; DYSTROPHIC EPIDERMOLYSIS BULLOSA, AUTOSOMAL RECESSIVE; EPIDERMOLYSIS BULLOSA DYSTROPHICA, HALLOPEAU-SIEMENS TYPE. Identifiers: Orphanet 79408, Orphanet 79409, MedGen C0079474, MONDO:0009179, OMIM 226600.
Epidermolysis bullosa, pretibial, autosomal recessive. Identifiers: MedGen C4015945.

Submissions (7):

Labcorp Genetics (formerly Invitae), Labcorp
Classification: Benign. Last evaluated: 2026-01-25. Review status: criteria provided, single submitter. Criteria: Invitae Variant Classification Sherloc (09022015). Collection method: clinical testing. Allele origin: germline.

CeGaT Center for Human Genetics Tuebingen
Classification: Likely benign. Last evaluated: 2025-09-01. Review status: criteria provided, single submitter. Criteria: CeGaT Center For Human Genetics Tuebingen Variant Classification Criteria Version 2. Collection method: clinical testing. Allele origin: germline. Affected: yes. Observed: 1 variant allele.
Comment: COL7A1: BS2

Blueprint Genetics
Classification: Likely benign. Last evaluated: 2024-11-19. Review status: criteria provided, single submitter. Criteria: ACMG Guidelines, 2015. Collection method: clinical testing. Allele origin: germline.

PreventionGenetics, part of Exact Sciences
Classification: Likely benign for COL7A1-related condition. Last evaluated: 2024-02-21. Review status: no assertion criteria provided. Collection method: clinical testing. Allele origin: germline. Not counted in ClinVar's aggregate classification.
Comment: This variant is classified as likely benign based on ACMG/AMP sequence variant interpretation guidelines (Richards et al. 2015 PMID: 25741868, with internal and published modifications).

OMIM
Classification: Pathogenic for EPIDERMOLYSIS BULLOSA, PRETIBIAL, AUTOSOMAL RECESSIVE. Last evaluated: 1999-11-01. Review status: no assertion criteria provided. Collection method: literature only. Allele origin: germline. Not counted in ClinVar's aggregate classification.

OMIM
Classification: Pathogenic for EPIDERMOLYSIS BULLOSA DYSTROPHICA, AUTOSOMAL RECESSIVE. Last evaluated: 1999-11-01. Review status: no assertion criteria provided. Collection method: literature only. Allele origin: germline. Not counted in ClinVar's aggregate classification.

Dr. Peter K. Rogan Lab, Western University
No classification provided (evidence only). Condition: Colorectal cancer. Review status: no classification provided. Collection method: in vitro. Allele origin: not applicable. Functional consequence: skipped exon. Not counted in ClinVar's aggregate classification.

Literature cited by the submitters: PubMed 10583163 (cited by OMIM); PubMed 9215684 (cited by OMIM).